The following is an entry in ClinVar:

NM_001394062.1(MACF1):c.10568T>C (p.Leu3523Pro)

Gene: MACF1 (microtubule actin crosslinking factor 1; plus strand). Cytogenetic location: 1p34.3.
Variant type: single nucleotide variant.
Coding change: c.10568T>C on transcript NM_001394062.1 (MANE Select); coding-DNA position 10568, T replaced by C.
Protein change: p.Leu3523Pro; replaces leucine 3523 with proline.
Molecular consequence: missense variant. On other transcripts: intron variant (1).
Genome position (GRCh38, 1-based): chr1:39,340,940, T>C. VCF-style: chr1-39340940-T-C. GRCh37 (hg19) VCF-style: chr1-39806612-T-C.
Other names: c.4630-8538T>C (NM_012090.5); short protein forms L3523P.
Identifiers: ClinVar variation 4084635 (VCV004084635.8).
Genomic context (GRCh38, chr1:39,340,940, plus strand): 5'-TTATTCTGAACAGCAAGGGATCTAACAGTGAAATAGATGTTGACAGCCTGAACCTCTGCC[T>C]CCAACAGTATGAGGTAAACTCAAGCACATTTTCTTTGTCCTTTGAGTTGTATCAATTTTA-3'
Protein context (NP_001380991.1, residues 3513-3533): EIDVDSLNLC[Leu3523Pro]QQYEDLKQPM

ClinVar aggregate classification (germline): Likely benign (1 of 4 stars; one submission).

gnomAD v4.1: 29 of 1,607,404 alleles (0.0018%); highest among the groups gnomAD compares: Non-Finnish European, 0.0022%; no homozygotes.

Submission:

CeGaT Center for Human Genetics Tuebingen
Classification: Likely benign. Last evaluated: 2025-08-01. Review status: criteria provided, single submitter. Criteria: CeGaT Center For Human Genetics Tuebingen Variant Classification Criteria Version 2. Collection method: clinical testing. Allele origin: germline. Affected: yes. Observed: 1 variant allele.
Comment: MACF1: BP4